The following is an entry in ClinVar:

ClinVar aggregate classification (germline): Conflicting classifications of pathogenicity. Review status: criteria provided, conflicting classifications (1 of 4 stars). 5 submissions from 5 submitters: Uncertain significance (3); Likely benign (2). Last evaluated 2025-10-11.

Conditions:
Primary ciliary dyskinesia. Also called: Ciliary dyskinesia. Identifiers: Orphanet 244, MedGen C0008780, MONDO:0016575, HP:0012265.
Primary ciliary dyskinesia 3. Identifiers: Orphanet 244, MedGen C1837618, MONDO:0012085, OMIM 608644.

Allele frequency attached by ClinVar (database versions not stated): gnomAD exomes 0.00009; gnomAD 0.00013 and 0.00016; ExAC 0.00036; TOPMed 0.00054; 1000 Genomes Project 30x 0.00078; 1000 Genomes Project 0.00100.

Submissions (5):

Labcorp Genetics (formerly Invitae), Labcorp
Classification: Likely benign for Primary ciliary dyskinesia. Last evaluated: 2025-10-11. Review status: criteria provided, single submitter. Criteria: Invitae Variant Classification Sherloc (09022015). Collection method: clinical testing. Allele origin: germline.

Ambry Genetics
Classification: Likely benign for Primary ciliary dyskinesia. Last evaluated: 2025-06-26. Review status: criteria provided, single submitter. Criteria: Ambry Variant Classification Scheme 2023. Collection method: clinical testing. Allele origin: germline.

Blueprint Genetics
Classification: Uncertain significance. Last evaluated: 2024-09-17. Review status: criteria provided, single submitter. Criteria: ACMG Guidelines, 2015. Collection method: clinical testing. Allele origin: germline.

Mayo Clinic Laboratories, Mayo Clinic
Classification: Uncertain significance. Last evaluated: 2023-06-30. Review status: criteria provided, single submitter. Criteria: ACMG Guidelines, 2015. Collection method: clinical testing. Allele origin: germline. Observed: 1 variant allele.
Comment: BS1, BP4

Illumina Laboratory Services, Illumina
Classification: Uncertain significance for Primary ciliary dyskinesia 3. Last evaluated: 2018-01-12. Review status: criteria provided, single submitter. Criteria: ICSL Variant Classification Criteria 13 December 2019. Collection method: clinical testing. Allele origin: germline.

Literature cited by the submitters: PubMed 29997923 (cited by Ambry Genetics and Mayo Clinic Laboratories, Mayo Clinic); PubMed 31377750 (cited by Ambry Genetics); PubMed 35518361 (cited by Ambry Genetics and Mayo Clinic Laboratories, Mayo Clinic).

NM_001369.3(DNAH5):c.2047C>T (p.Arg683Trp)

Gene: DNAH5 (dynein axonemal heavy chain 5; minus strand). Cytogenetic location: 5p15.2.
Variant type: single nucleotide variant.
Coding change: c.2047C>T on transcript NM_001369.3 (MANE Select); coding-DNA position 2047, C replaced by T.
Protein change: p.Arg683Trp; replaces arginine 683 with tryptophan.
Molecular consequence: missense variant.
Genome position (GRCh38, 1-based): chr5:13,901,257, G>A on the plus strand (C>T on the coding strand, the complement: DNAH5 is on the minus strand). VCF-style: chr5-13901257-G-A. GRCh37 (hg19) VCF-style: chr5-13901366-G-A.
Other names: p.Arg683Trp; short protein forms R683W.
Identifiers: ClinVar variation 696524 (VCV000696524.18), dbSNP rs182512638, ClinGen allele CA3204695.